The following is an entry in ClinVar:

ClinVar aggregate classification (germline): Uncertain significance (1 of 4 stars; one submission).

Submission:

Labcorp Genetics (formerly Invitae), Labcorp
Classification: Uncertain significance. Last evaluated: 2025-11-21. Review status: criteria provided, single submitter. Criteria: Invitae Variant Classification Sherloc (09022015). Collection method: clinical testing. Allele origin: germline.
Comment: This sequence change replaces arginine, which is basic and polar, with glycine, which is neutral and non-polar, at codon 159 of the GHSR protein (p.Arg159Gly). This variant is not present in population databases (gnomAD no frequency). This variant has not been reported in the literature in individuals affected with GHSR-related conditions. Invitae Evidence Modeling of protein sequence and biophysical properties (such as structural, functional, and spatial information, amino acid conservation, physicochemical variation, residue mobility, and thermodynamic stability) indicates that this missense variant is expected to disrupt GHSR protein function with a positive predictive value of 80%. In summary, the available evidence is currently insufficient to determine the role of this variant in disease. Therefore, it has been classified as a Variant of Uncertain Significance.

NM_198407.2(GHSR):c.475C>G (p.Arg159Gly)

Gene: GHSR (growth hormone secretagogue receptor; minus strand). Cytogenetic location: 3q26.31.
Variant type: single nucleotide variant.
Coding change: c.475C>G on transcript NM_198407.2 (MANE Select); coding-DNA position 475, C replaced by G.
Protein change: p.Arg159Gly; replaces arginine 159 with glycine.
Molecular consequence: missense variant.
Genome position (GRCh38, 1-based): chr3:172,447,939, G>C on the plus strand (C>G on the coding strand, the complement: GHSR is on the minus strand). VCF-style: chr3-172447939-G-C. GRCh37 (hg19) VCF-style: chr3-172165729-G-C.
Other names: c.475C>G, p.Arg159Gly (NM_004122.2); short protein forms R159G.
Identifiers: ClinVar variation 4692997 (VCV004692997.1).